The following is an entry in ClinVar:

NM_024675.4(PALB2):c.2521del (p.Thr841fs)

Gene: PALB2 (partner and localizer of BRCA2; minus strand). Cytogenetic location: 16p12.2.
Variant type: Deletion.
Coding change: c.2521del on transcript NM_024675.4 (MANE Select); coding-DNA position 2521, one base deleted (A; older notation c.2521delA).
Protein change: p.Thr841fs; shifts the reading frame from threonine 841.
Molecular consequence: frameshift variant.
Genome position (GRCh38, 1-based): chr16:23,629,269, T deleted on the plus strand (A on the coding strand, the reverse complement: PALB2 is on the minus strand); the first of 3 consecutive T bases (chr16:23,629,269-23,629,271); deleting any one gives the same sequence. VCF-style (leftmost placement, unchanged base first): chr16-23629268-GT-G. GRCh37 (hg19) VCF-style: chr16-23640589-GT-G.
Other names: NM_024675.3:c.2521del; short protein forms T841fs.
Identifiers: ClinVar variation 126659 (VCV000126659.7), dbSNP rs180177116, ClinGen allele CA269539.

ClinVar aggregate classification (germline): Pathogenic. Review status: criteria provided, multiple submitters, no conflicts (2 of 4 stars). 4 submissions from 4 submitters: Pathogenic (3). 1 of the submissions does not count toward it. Last evaluated 2026-08-11.

Conditions:
Inherited breast cancer and ovarian cancer.
Familial cancer of breast. Also called: hereditary breast carcinoma; BREAST CANCER, FAMILIAL; Hereditary breast cancer. Identifiers: Orphanet 227535, MedGen C0346153, MONDO:0016419, OMIM 114480. Disease mechanism: loss of function.

Submissions (4):

Myriad Genetics, Inc.
Classification: Pathogenic for Familial cancer of breast. Last evaluated: 2026-08-11. Review status: criteria provided, single submitter. Criteria: Myriad Autosomal Dominant, Autosomal Recessive and X-Linked Classification Criteria (2023). Collection method: clinical testing. Allele origin: unknown.
Comment: This variant is considered pathogenic. This variant creates a frameshift predicted to result in premature protein truncation.

Cambridge Genomics Laboratory, East Genomic Laboratory Hub, NHS Genomic Medicine Service
Classification: Pathogenic for Inherited breast cancer and ovarian cancer. Last evaluated: 2026-04-20. Review status: criteria provided, single submitter. Criteria: ACGS Best Practice Guidelines for Variant Classification in Rare Disease 2020. Collection method: clinical testing. Allele origin: germline. Affected: yes.
Comment: PVS1,PM2_Supporting,PM5_Supporting

Labcorp Genetics (formerly Invitae), Labcorp
Classification: Pathogenic for Familial cancer of breast. Last evaluated: 2025-05-30. Review status: criteria provided, single submitter. Criteria: Invitae Variant Classification Sherloc (09022015). Collection method: clinical testing. Allele origin: germline.
Comment: This sequence change creates a premature translational stop signal (p.Thr841Glnfs*10) in the PALB2 gene. It is expected to result in an absent or disrupted protein product. Loss-of-function variants in PALB2 are known to be pathogenic (PMID: 17200668, 17200671, 17200672, 24136930, 25099575). This variant is not present in population databases (gnomAD no frequency). This premature translational stop signal has been observed in individual(s) with PALB2-related conditions (PMID: 17200671). ClinVar contains an entry for this variant (Variation ID: 126659). For these reasons, this variant has been classified as Pathogenic.

Leiden Open Variation Database
Classification: Pathogenic. Last evaluated: 2019-05-13. Review status: no assertion criteria provided. Collection method: curation. Allele origin: germline. Affected: yes. Not counted in ClinVar's aggregate classification.
Comment: Curators: Marc Tischkowitz, Arleen D. Auerbach. Submitters to LOVD: Arleen D. Auerbach, LOVD-team, but with Curator vacancy, Marc Tischkowitz.

Literature cited by the submitters: PubMed 17200668 (cited by Labcorp Genetics (formerly Invitae), Labcorp); PubMed 17200671 (cited by Labcorp Genetics (formerly Invitae), Labcorp and Leiden Open Variation Database); PubMed 17200672 (cited by Labcorp Genetics (formerly Invitae), Labcorp); PubMed 24136930 (cited by Labcorp Genetics (formerly Invitae), Labcorp); PubMed 25099575 (cited by Labcorp Genetics (formerly Invitae), Labcorp and Leiden Open Variation Database); PubMed 19264984 (cited by Leiden Open Variation Database); PubMed 23341105 (cited by Leiden Open Variation Database).